The following is an entry in ClinVar:

NM_014236.4(GNPAT):c.1132A>G (p.Ile378Val)

Gene: GNPAT (glyceronephosphate O-acyltransferase; plus strand). Cytogenetic location: 1q42.2.
Variant type: single nucleotide variant.
Coding change: c.1132A>G on transcript NM_014236.4 (MANE Select); coding-DNA position 1132, A replaced by G.
Protein change: p.Ile378Val; replaces isoleucine 378 with valine.
Molecular consequence: missense variant.
Genome position (GRCh38, 1-based): chr1:231,267,756, A>G. VCF-style: chr1-231267756-A-G. GRCh37 (hg19) VCF-style: chr1-231403502-A-G.
Other names: c.949A>G, p.Ile317Val (NM_001316350.2); short protein forms I378V, I317V.
Identifiers: ClinVar variation 1514969 (VCV001514969.5), dbSNP rs1685431913, ClinGen allele CA345235699.
Genomic context (GRCh38, chr1:231,267,756, plus strand): 5'-CAGTCTGAGGACATGCATGCCTTTGTCACTGAAGTTGCCTACAAAATGGAGCTTCTGCAA[A>G]TTGAAAACATGGTTTTGAGCCCCTGGACCCTAATAGTTGCTGTTCTGCTTCAGAACCGGC-3'
Protein context (NP_055051.1, residues 368-388): EVAYKMELLQ[Ile378Val]ENMVLSPWTL

ClinVar aggregate classification (germline): Uncertain significance (1 of 4 stars; one submission).

Allele frequency attached by ClinVar (database versions not stated): gnomAD exomes below 0.00001; gnomAD 0.00001.
gnomAD v4.1: 3 of 1,613,202 alleles (0.00019%); highest among the groups gnomAD compares: South Asian, 0.0033%; no homozygotes.

Submission:

Labcorp Genetics (formerly Invitae), Labcorp
Classification: Uncertain significance. Last evaluated: 2021-09-24. Review status: criteria provided, single submitter. Criteria: Invitae Variant Classification Sherloc (09022015). Collection method: clinical testing. Allele origin: germline.
Comment: This sequence change replaces isoleucine with valine at codon 378 of the GNPAT protein (p.Ile378Val). The isoleucine residue is moderately conserved and there is a small physicochemical difference between isoleucine and valine. This variant is not present in population databases (ExAC no frequency). This variant has not been reported in the literature in individuals with GNPAT-related conditions. Algorithms developed to predict the effect of missense changes on protein structure and function output the following: SIFT: "Tolerated"; PolyPhen-2: "Possibly Damaging"; Align-GVGD: "Class C0". The valine amino acid residue is found in multiple mammalian species, suggesting that this missense change does not adversely affect protein function. These predictions have not been confirmed by published functional studies and their clinical significance is uncertain. In summary, the available evidence is currently insufficient to determine the role of this variant in disease. Therefore, it has been classified as a Variant of Uncertain Significance.